The following is an entry in ClinVar:

ClinVar aggregate classification (germline): Uncertain significance (1 of 4 stars; one submission).

Conditions:
Cerebellar dysfunction with variable cognitive and behavioral abnormalities (CECBA). Also called: Nonprogressive cerebellar atxia with intellectual disability. Identifiers: Orphanet 314647, MedGen C3553661, MONDO:0013886, OMIM 614756.

gnomAD v4.1: 2 of 1,055,176 alleles (0.00019%); highest among the groups gnomAD compares: Non-Finnish European, 0.00023%; no homozygotes.

Submission:

Juno Genomics, Hangzhou Juno Genomics, Inc
Classification: Uncertain significance for Cerebellar dysfunction with variable cognitive and behavioral abnormalities. Review status: criteria provided, single submitter. Criteria: ACMG Guidelines, 2015. Collection method: clinical testing. Allele origin: germline. Affected: yes.
Comment: Absent from controls (or at extremely low frequency if recessive) in Genome Aggregation Database, Exome Sequencing Project, 1000 Genomes Project, or Exome Aggregation Consortium.;Multiple lines of computational evidence support a deleterious effect on the gene or gene product (conservation, evolutionary, splicing impact, etc).;Patient's phenotype or family history is highly specific for a disease with a single genetic etiology.

NM_015215.4(CAMTA1):c.45+5G>A

Gene: CAMTA1 (calmodulin binding transcription activator 1; plus strand). Cytogenetic location: 1p36.31.
Variant type: single nucleotide variant.
Coding change: c.45+5G>A on transcript NM_015215.4 (MANE Select); 5 bases into the intron after coding-DNA position 45, G replaced by A.
Molecular consequence: intron variant.
Genome position (GRCh38, 1-based): chr1:6,785,580, G>A. VCF-style: chr1-6785580-G-A. GRCh37 (hg19) VCF-style: chr1-6845640-G-A.
Other names: c.45+5G>A (NM_001349609.2, NM_001349610.2, NM_001410737.1 and 4 more transcripts); c.25+5G>A (NM_001349608.2, NM_001349612.2).
Identifiers: ClinVar variation 3382960 (VCV003382960.2).